The following is an entry in ClinVar:

NM_020822.3(KCNT1):c.1999G>T (p.Ala667Ser)

Gene: KCNT1 (potassium sodium-activated channel subfamily T member 1; plus strand). Cytogenetic location: 9q34.3.
Variant type: single nucleotide variant.
Coding change: c.1999G>T on transcript NM_020822.3 (MANE Select); coding-DNA position 1999, G replaced by T.
Protein change: p.Ala667Ser; replaces alanine 667 with serine.
Molecular consequence: missense variant.
Genome position (GRCh38, 1-based): chr9:135,771,086, G>T. VCF-style: chr9-135771086-G-T. GRCh37 (hg19) VCF-style: chr9-138662932-G-T.
Other names: c.1864G>T, p.Ala622Ser (NM_001272003.2); short protein forms A622S, A667S.
Identifiers: ClinVar variation 2936247 (VCV002936247.3), dbSNP rs781725359, ClinGen allele CA5327135.

ClinVar aggregate classification (germline): Uncertain significance (1 of 4 stars; one submission).

Conditions:
Autosomal dominant nocturnal frontal lobe epilepsy 5. Also called: Epilepsy, nocturnal frontal lobe, 5; CILIARY DYSKINESIA, PRIMARY, 28, WITHOUT SITUS INVERSUS; CILIARY DYSKINESIA, PRIMARY, 28, WITH SITUS INVERSUS; KCNT1-Related Epilepsy. Identifiers: Orphanet 98784, MedGen C3554306, MONDO:0014002, OMIM 615005.
Developmental and epileptic encephalopathy, 14 (DEE14). Also called: Early infantile epileptic encephalopathy 14. Identifiers: Orphanet 293181, MedGen C3554195, MONDO:0013989, OMIM 614959.

gnomAD v4.1: 2 of 1,610,276 alleles (0.00012%); highest among the groups gnomAD compares: Non-Finnish European, 0.00017%; no homozygotes.

Submission:

Labcorp Genetics (formerly Invitae), Labcorp
Classification: Uncertain significance for Autosomal dominant nocturnal frontal lobe epilepsy 5; Developmental and epileptic encephalopathy, 14. Last evaluated: 2023-12-11. Review status: criteria provided, single submitter. Criteria: Invitae Variant Classification Sherloc (09022015). Collection method: clinical testing. Allele origin: germline.
Comment: This sequence change replaces alanine, which is neutral and non-polar, with serine, which is neutral and polar, at codon 667 of the KCNT1 protein (p.Ala667Ser). The frequency data for this variant in the population databases is considered unreliable, as metrics indicate poor data quality at this position in the gnomAD database. This variant has not been reported in the literature in individuals affected with KCNT1-related conditions. Advanced modeling of protein sequence and biophysical properties (such as structural, functional, and spatial information, amino acid conservation, physicochemical variation, residue mobility, and thermodynamic stability) performed at Invitae indicates that this missense variant is not expected to disrupt KCNT1 protein function with a negative predictive value of 80%. In summary, the available evidence is currently insufficient to determine the role of this variant in disease. Therefore, it has been classified as a Variant of Uncertain Significance.